The following is an entry in ClinVar:

NM_030662.4(MAP2K2):c.913G>A (p.Val305Ile)

Gene: MAP2K2 (mitogen-activated protein kinase kinase 2; minus strand). Cytogenetic location: 19p13.3.
Variant type: single nucleotide variant.
Coding change: c.913G>A on transcript NM_030662.4 (MANE Select); coding-DNA position 913, G replaced by A.
Protein change: p.Val305Ile; replaces valine 305 with isoleucine.
Molecular consequence: missense variant.
Genome position (GRCh38, 1-based): chr19:4,099,207, C>T on the plus strand (G>A on the coding strand, the complement: MAP2K2 is on the minus strand). VCF-style: chr19-4099207-C-T. GRCh37 (hg19) VCF-style: chr19-4099205-C-T.
Other names: p.V305I:GTC>ATC; short protein forms V305I.
Identifiers: ClinVar variation 180903 (VCV000180903.13), dbSNP rs730880509, ClinGen allele CA296126.

ClinVar aggregate classification (germline): Conflicting classifications of pathogenicity. Review status: criteria provided, conflicting classifications (1 of 4 stars). 4 submissions from 4 submitters: Uncertain significance (3); Likely benign (1). Last evaluated 2026-01-30.

Conditions:
Cardiovascular phenotype. Identifiers: MedGen CN230736.
Cardiofaciocutaneous syndrome 4 (CFC4). Also called: MAP2K2-Related Cardiofaciocutaneous Syndrome. Identifiers: Orphanet 1340, MedGen C3809007, MONDO:0014114, OMIM 615280.
RASopathy. Also called: Noonan spectrum disorder; rasopathies. Identifiers: Orphanet 536391, MedGen C5555857, MONDO:0021060.

Allele frequency attached by ClinVar (database versions not stated): ExAC 0.00001; gnomAD 0.00001; TOPMed 0.00001.
gnomAD v4.1: 36 of 1,601,666 alleles (0.0022%); highest among the groups gnomAD compares: Middle Eastern, 0.017%; no homozygotes.

Submissions (4):

Labcorp Genetics (formerly Invitae), Labcorp
Classification: Uncertain significance for RASopathy. Last evaluated: 2026-01-30. Review status: criteria provided, single submitter. Criteria: Invitae Variant Classification Sherloc (09022015). Collection method: clinical testing. Allele origin: germline.
Comment: This sequence change replaces valine, which is neutral and non-polar, with isoleucine, which is neutral and non-polar, at codon 305 of the MAP2K2 protein (p.Val305Ile). The frequency data for this variant in the population databases is considered unreliable, as metrics indicate poor data quality at this position in the gnomAD database. This variant has not been reported in the literature in individuals affected with MAP2K2-related conditions. ClinVar contains an entry for this variant (Variation ID: 180903). Invitae Evidence Modeling incorporating data from in vitro experimental studies (internal data) indicates that this missense variant is not expected to disrupt MAP2K2 function with a negative predictive value of 95%. In summary, the available evidence is currently insufficient to determine the role of this variant in disease. Therefore, it has been classified as a Variant of Uncertain Significance.

Ambry Genetics
Classification: Likely benign for Cardiovascular phenotype. Last evaluated: 2025-09-15. Review status: criteria provided, single submitter. Criteria: Ambry Variant Classification Scheme 2023. Collection method: clinical testing. Allele origin: germline.

Fulgent Genetics
Classification: Uncertain significance for Cardiofaciocutaneous syndrome 4. Last evaluated: 2024-05-14. Review status: criteria provided, single submitter. Criteria: ACMG Guidelines, 2015. Collection method: clinical testing. Allele origin: germline.

GeneDx
Classification: Uncertain significance. Last evaluated: 2020-04-20. Review status: criteria provided, single submitter. Criteria: GeneDx Variant Classification Process June 2021. Collection method: clinical testing. Allele origin: germline. Affected: yes.
Comment: Missense variants in this gene are often considered pathogenic (Stenson et al., 2014); In silico analysis supports that this missense variant does not alter protein structure/function; Has not been previously published as pathogenic or benign to our knowledge; No data available from control populations to assess the frequency of this variant